The following is an entry in ClinVar:

ClinVar aggregate classification (germline): Uncertain significance (1 of 4 stars; one submission).

Conditions:
Familial thoracic aortic aneurysm and aortic dissection (TAAD). Also called: Thoracic aortic aneurysms and dissections. Identifiers: Orphanet 91387, MedGen C4707243, MONDO:0019625.

gnomAD v4.1: 1 of 1,613,048 alleles (0.000062%); highest among the groups gnomAD compares: Non-Finnish European, 0.000085%; no homozygotes.

Submission:

Ambry Genetics
Classification: Uncertain significance for Familial thoracic aortic aneurysm and aortic dissection. Last evaluated: 2023-11-30. Review status: criteria provided, single submitter. Criteria: Ambry Variant Classification Scheme 2023. Collection method: clinical testing. Allele origin: germline.
Comment: The p.Q812L variant (also known as c.2435A>T), located in coding exon 19 of the MYH11 gene, results from an A to T substitution at nucleotide position 2435. The glutamine at codon 812 is replaced by leucine, an amino acid with dissimilar properties. This amino acid position is conserved. In addition, the in silico prediction for this alteration is inconclusive. Since supporting evidence is limited at this time, the clinical significance of this alteration remains unclear.

NM_002474.3(MYH11):c.2435A>T (p.Gln812Leu)

Gene: MYH11 (myosin heavy chain 11; minus strand). Cytogenetic location: 16p13.11.
Variant type: single nucleotide variant.
Coding change: c.2435A>T on transcript NM_002474.3 (MANE Select); coding-DNA position 2435, A replaced by T.
Protein change: p.Gln812Leu; replaces glutamine 812 with leucine.
Molecular consequence: missense variant.
Genome position (GRCh38, 1-based): chr16:15,745,214, T>A on the plus strand (A>T on the coding strand, the complement: MYH11 is on the minus strand). VCF-style: chr16-15745214-T-A. GRCh37 (hg19) VCF-style: chr16-15839071-T-A.
Other names: c.2456A>T, p.Gln819Leu (NM_001040113.2, NM_001040114.2); c.2435A>T, p.Gln812Leu (NM_022844.3); short protein forms Q812L, Q819L.
Identifiers: ClinVar variation 3222373 (VCV003222373.1), dbSNP rs761891932, ClinGen allele CA394866898.
Genomic context (GRCh38, chr16:15,745,214, plus strand): 5'-CAGTTCCGCAGCTTGAGGTAGGCGGCGCAGTTCCTCTGAATCACCTTCATGGCGGTCAGC[T>A]GCTGCTGCCTCTTGGCAAAAGCCCTAGGGAGGGGGGAAGAGAAGGTGCGGGGGTCATGAA-3'
Protein context (NP_002465.1, residues 802-822): ARKAFAKRQQ[Gln812Leu]LTAMKVIQRN